The following is an entry in ClinVar:

NC_000016.9:g.(?_68710268)_(68867402_?)dup

Genes: CDH1 (cadherin 1; plus strand), CDH3 (cadherin 3; plus strand). Cytogenetic location: 16q22.1.
Variant type: Duplication.
Identifiers: ClinVar variation 3243630 (VCV003243630.1).

ClinVar aggregate classification (germline): Uncertain significance (1 of 4 stars; one submission).

Submission:

Labcorp Genetics (formerly Invitae), Labcorp
Classification: Uncertain significance. Last evaluated: 2023-02-08. Review status: criteria provided, single submitter. Criteria: Invitae Variant Classification Sherloc (09022015). Collection method: clinical testing. Allele origin: unknown.
Comment: This variant results in a copy number gain of the genomic region encompassing exon(s) 3-16 of the CDH3 gene. This region includes the termination codon of the gene. This copy number gain extends beyond the assayed region for this gene and therefore may encompass additional genes. As the precise location of this event is unknown, it may be in tandem or it may be located elsewhere in the genome. This variant has not been reported in the literature in individuals affected with CDH3-related conditions. In summary, the available evidence is currently insufficient to determine the role of this variant in disease. Therefore, it has been classified as a Variant of Uncertain Significance.